The following is an entry in ClinVar:

ClinVar aggregate classification (germline): Uncertain significance (1 of 4 stars; one submission).

Conditions:
Hereditary cancer-predisposing syndrome. Also called: Neoplastic Syndromes, Hereditary; Tumor predisposition; Hereditary neoplastic syndrome; Hereditary Cancer Syndrome. Identifiers: Orphanet 140162, MedGen C0027672, MeSH D009386, MONDO:0015356.

Submission:

Ambry Genetics
Classification: Uncertain significance for Hereditary cancer-predisposing syndrome. Last evaluated: 2021-10-28. Review status: criteria provided, single submitter. Criteria: Ambry Variant Classification Scheme 2023. Collection method: clinical testing. Allele origin: germline.
Comment: The c.598-9C>G intronic alteration consists of a C to G substitution 9 nucleotides before coding exon 5 in the STK11 gene. Based on insufficient or conflicting evidence, the clinical significance of this alteration remains unclear.

NM_000455.5(STK11):c.598-9C>G

Gene: STK11 (serine/threonine kinase 11; plus strand). Cytogenetic location: 19p13.3.
Variant type: single nucleotide variant.
Coding change: c.598-9C>G on transcript NM_000455.5 (MANE Select); 9 bases into the intron before coding-DNA position 598, C replaced by G.
Molecular consequence: intron variant.
Genome position (GRCh38, 1-based): chr19:1,220,572, C>G. VCF-style: chr19-1220572-C-G. GRCh37 (hg19) VCF-style: chr19-1220571-C-G.
Other names: c.598-9C>G (NM_001407255.1).
Identifiers: ClinVar variation 3171245 (VCV003171245.1), dbSNP rs2080775710, ClinGen allele CA2735397039.
Genomic context (GRCh38, chr19:1,220,572, plus strand): 5'-ACGTGCTAGGGGGGGCCCTGGGGCGCCCCCTCCCGGGCACTCCCTGAGGGCTGCACGGCA[C>G]CGCCACAGGCACTGCACCCGTTCGCGGCGGACGACACCTGCCGGACCAGCCAGGGCTCCC-3'